The following is an entry in ClinVar:

ClinVar aggregate classification (germline): Uncertain significance (1 of 4 stars; one submission).

Conditions:
Autism spectrum disorder. Also called: Autism spectrum disorders. Identifiers: MedGen C1510586, MeSH D000067877, MONDO:0005258.

Submission:

Geschwind lab, University of California Los Angeles
Classification: Uncertain significance for Autism spectrum disorder. Last evaluated: 2015-10-12. Review status: criteria provided, single submitter. Criteria: ACMG CNV Guidelines 2011. Collection method: research. Allele origin: unknown. Affected: yes. Observed: 1 variant allele.

Literature cited by the submitters: PubMed 27569545.

Single allele

Gene: NRXN1 (neurexin 1; minus strand). Cytogenetic location: 2p16.3.
Variant type: Deletion.
Identifiers: ClinVar variation 236343 (VCV000236343.1).